The following is an entry in ClinVar:

ClinVar aggregate classification (germline): Uncertain significance (1 of 4 stars; one submission).

Submission:

Dasa
Classification: Uncertain significance. Last evaluated: 2025-11-26. Review status: criteria provided, single submitter. Criteria: DASA Assertion Criteria. Collection method: clinical testing. Allele origin: germline.
Comment: NM_023110.3(FGFR1):c.91G>T (p.Ala31Ser) is a missense variant that results in the substitution of alanine with serine. This variant is absent from population databases. Computational prediction algorithms are consistent with a deleterious effect. The currently available literature and clinical evidence are not sufficient to establish a definitive association between this variant and the reported condition. Therefore, this variant is classified as a variant of uncertain significance.

NM_023110.3(FGFR1):c.91G>T (p.Ala31Ser)

Gene: FGFR1 (fibroblast growth factor receptor 1; minus strand). Cytogenetic location: 8p11.23.
Variant type: single nucleotide variant.
Coding change: c.91G>T on transcript NM_023110.3 (MANE Select); coding-DNA position 91, G replaced by T.
Protein change: p.Ala31Ser; replaces alanine 31 with serine.
Molecular consequence: missense variant. On other transcripts: 5 prime UTR variant (1).
Genome position (GRCh38, 1-based): chr8:38,457,356, C>A on the plus strand (G>T on the coding strand, the complement: FGFR1 is on the minus strand). VCF-style: chr8-38457356-C-A. GRCh37 (hg19) VCF-style: chr8-38314874-C-A.
Other names: c.91G>T, p.Ala31Ser (NM_001174063.2, NM_001174065.2, NM_001354367.2 and 3 more transcripts); c.-2G>T (NM_001174064.2); c.91G>T, p.Asp31Tyr (NM_001174066.2, NM_001354368.2, NM_001354370.2 and 2 more transcripts); c.190G>T, p.Ala64Ser (NM_001174067.2); short protein forms A31S, A64S, D31Y.
Identifiers: ClinVar variation 4881393 (VCV004881393.2).